The following is an entry in ClinVar:

ClinVar aggregate classification (germline): Conflicting classifications of pathogenicity. Review status: criteria provided, conflicting classifications (1 of 4 stars). 3 submissions from 3 submitters: Uncertain significance (1); Likely benign (2). Last evaluated 2026-02-01.

Conditions:
Primary ciliary dyskinesia. Also called: Ciliary dyskinesia. Identifiers: Orphanet 244, MedGen C0008780, MONDO:0016575, HP:0012265.

Allele frequency attached by ClinVar (database versions not stated): gnomAD exomes 0.00002 and 0.00003; ExAC 0.00003; gnomAD 0.00003 and 0.00004; TOPMed 0.00003; 1000 Genomes Project 30x 0.00016; 1000 Genomes Project 0.00020.
gnomAD v4.1: 51 of 1,612,928 alleles (0.0032%); highest among the groups gnomAD compares: Middle Eastern, 0.18%; no homozygotes.

Submissions (3):

CeGaT Center for Human Genetics Tuebingen
Classification: Likely benign. Last evaluated: 2026-02-01. Review status: criteria provided, single submitter. Criteria: CeGaT Center For Human Genetics Tuebingen Variant Classification Criteria Version 2. Collection method: clinical testing. Allele origin: germline. Affected: yes. Observed: 1 variant allele.
Comment: DNAH8: BP4

Labcorp Genetics (formerly Invitae), Labcorp
Classification: Likely benign for Primary ciliary dyskinesia. Last evaluated: 2026-01-18. Review status: criteria provided, single submitter. Criteria: Invitae Variant Classification Sherloc (09022015). Collection method: clinical testing. Allele origin: germline.

Mayo Clinic Laboratories, Mayo Clinic
Classification: Uncertain significance. Last evaluated: 2025-03-21. Review status: criteria provided, single submitter. Criteria: ACMG Guidelines, 2015. Collection method: clinical testing. Allele origin: germline. Observed: 1 variant allele.

NM_001206927.2(DNAH8):c.11157G>A (p.Leu3719=)

Genes: DNAH8 (dynein axonemal heavy chain 8; plus strand), DNAH8-AS1 (DNAH8 antisense RNA 1; minus strand). Cytogenetic location: 6p21.2.
Variant type: single nucleotide variant.
Coding change: c.11157G>A on transcript NM_001206927.2 (MANE Select); coding-DNA position 11157, G replaced by A.
Protein change: p.Leu3719=; no amino-acid change (leucine 3719 retained).
Molecular consequence: synonymous variant.
Genome position (GRCh38, 1-based): chr6:38,929,549, G>A. VCF-style: chr6-38929549-G-A. GRCh37 (hg19) VCF-style: chr6-38897325-G-A.
Other names: p.Leu3719=; c.10506G>A, p.Leu3502= (NM_001371.4).
Identifiers: ClinVar variation 937172 (VCV000937172.13), dbSNP rs201642901, ClinGen allele CA3790942.